The following is an entry in ClinVar:

NM_032119.4(ADGRV1):c.14757G>A (p.Ser4919=)

Gene: ADGRV1 (adhesion G protein-coupled receptor V1; plus strand). Cytogenetic location: 5q14.3.
Variant type: single nucleotide variant.
Coding change: c.14757G>A on transcript NM_032119.4 (MANE Select); coding-DNA position 14757, G replaced by A.
Protein change: p.Ser4919=; no amino-acid change (serine 4919 retained).
Molecular consequence: synonymous variant. On other transcripts: non-coding transcript variant (1).
Genome position (GRCh38, 1-based): chr5:90,805,379, G>A. VCF-style: chr5-90805379-G-A. GRCh37 (hg19) VCF-style: chr5-90101196-G-A.
Other names: c.14757G>A (NM_032119.3).
Identifiers: ClinVar variation 1555061 (VCV001555061.10), dbSNP rs754413110, ClinGen allele CA3341801.

ClinVar aggregate classification (germline): Likely benign. Review status: criteria provided, multiple submitters, no conflicts (2 of 4 stars). 3 submissions from 3 submitters: Likely benign (3). Last evaluated 2026-07-08.

Conditions:
ADGRV1-related disorder. Also called: ADGRV1-related condition; ADGRV1-related disorders.

Allele frequency attached by ClinVar (database versions not stated): ExAC 0.00002; gnomAD 0.00002 and 0.00004; TOPMed 0.00003.
gnomAD v4.1: 10 of 1,611,074 alleles (0.00062%); highest among the groups gnomAD compares: Admixed American, 0.0017%; no homozygotes.

Submissions (3):

PreventionGenetics, part of Exact Sciences
Classification: Likely benign for ADGRV1-related condition. Last evaluated: 2026-07-08. Review status: criteria provided, single submitter. Criteria: ACMG Guidelines, 2015. Collection method: clinical testing. Allele origin: germline.
Comment: This variant is classified as likely benign based on ACMG/AMP sequence variant interpretation guidelines (Richards et al. 2015 PMID: 25741868, with internal and published modifications).

Labcorp Genetics (formerly Invitae), Labcorp
Classification: Likely benign. Last evaluated: 2024-02-16. Review status: criteria provided, single submitter. Criteria: Invitae Variant Classification Sherloc (09022015). Collection method: clinical testing. Allele origin: germline.

Blueprint Genetics
Classification: Likely benign. Last evaluated: 2019-11-15. Review status: criteria provided, single submitter. Criteria: ACMG Guidelines, 2015. Collection method: clinical testing. Allele origin: germline.